The following is an entry in ClinVar:

NM_013275.6(ANKRD11):c.3591_3594del (p.Lys1198fs)

Gene: ANKRD11 (ankyrin repeat domain 11; minus strand). Cytogenetic location: 16q24.3.
Variant type: Deletion.
Coding change: c.3591_3594del on transcript NM_013275.6 (MANE Select); coding-DNA positions 3591 to 3594, 4 bases deleted (AAAA; older notation c.3591_3594delAAAA).
Protein change: p.Lys1198fs; shifts the reading frame from lysine 1198.
Molecular consequence: frameshift variant.
Genome position (GRCh38, 1-based): chr16:89,282,948-89,282,951, TTTT deleted on the plus strand (AAAA on the coding strand, the reverse complement: ANKRD11 is on the minus strand); deleting any 4 consecutive bases within chr16:89,282,948-89,282,953 gives the same sequence; the c. name uses the placement nearest the transcript's 3' end. VCF-style (leftmost placement, unchanged base first): chr16-89282947-CTTTT-C. GRCh37 (hg19) VCF-style: chr16-89349355-CTTTT-C.
Other names: c.3591_3594del (NM_013275.5); c.3591_3594del, p.Lys1198fs (NM_001256182.2, NM_001256183.2); short protein forms K1198fs.
Identifiers: ClinVar variation 995813 (VCV000995813.25), dbSNP rs2151754276, ClinGen allele CA2499223793.

ClinVar aggregate classification (germline): Pathogenic. Review status: criteria provided, multiple submitters, no conflicts (2 of 4 stars). 3 submissions from 3 submitters: Pathogenic (3). Last evaluated 2023-10-03.

Conditions:
Global developmental delay (DD). Also called: Cognitive delay. Identifiers: MedGen C0557874, HP:0001263. Disease mechanism: loss of function.

Submissions (3):

GeneDx
Classification: Pathogenic. Last evaluated: 2023-10-03. Review status: criteria provided, single submitter. Criteria: GeneDx Variant Classification Process June 2021. Collection method: clinical testing. Allele origin: germline. Affected: yes.
Comment: Frameshift variant predicted to result in protein truncation or nonsense mediated decay in a gene for which loss of function is a known mechanism of disease; Not observed at significant frequency in large population cohorts (gnomAD); This variant is associated with the following publications: (PMID: 33955014)

CeGaT Center for Human Genetics Tuebingen
Classification: Pathogenic. Last evaluated: 2023-10-01. Review status: criteria provided, single submitter. Criteria: CeGaT Center For Human Genetics Tuebingen Variant Classification Criteria Version 2. Collection method: clinical testing. Allele origin: germline. Affected: yes. Observed: 1 variant allele.
Comment: ANKRD11: PVS1, PM2, PS2:Moderate

Institute for Human Genetics, University Hospital Essen
Classification: Pathogenic for Global developmental delay. Last evaluated: 2021-01-22. Review status: criteria provided, single submitter. Criteria: ACMG Guidelines, 2015. Collection method: research. Allele origin: de novo. Affected: yes.

Literature cited by the submitters: PubMed 33955014 (cited by Institute for Human Genetics, University Hospital Essen).